The following is an entry in ClinVar:

ClinVar aggregate classification (germline): Benign. Review status: criteria provided, multiple submitters, no conflicts (2 of 4 stars). 8 submissions from 8 submitters: Benign (7). 1 of the submissions does not count toward it. Last evaluated 2026-02-04.

Conditions:
Hyperornithinemia-hyperammonemia-homocitrullinuria syndrome (HHHS). Also called: Ornithine translocase deficiency; HHH SYNDROME. Identifiers: Orphanet 415, MedGen C0268540, MONDO:0009393, OMIM 238970.

Allele frequency attached by ClinVar (database versions not stated): gnomAD exomes 0.09060 and 0.09449; ExAC 0.09551; 1000 Genomes Project 0.11342; 1000 Genomes Project 30x 0.11384; gnomAD 0.11719 and 0.11997; TOPMed 0.12359; ESP Exome Variant Server 0.12517.
gnomAD v4.1: 155,996 of 1,613,972 alleles (9.7%); highest among the groups gnomAD compares: African/African-American, 20%; 8,387 homozygotes.

Submissions (8):

Labcorp Genetics (formerly Invitae), Labcorp
Classification: Benign for Hyperornithinemia-hyperammonemia-homocitrullinuria syndrome. Last evaluated: 2026-02-04. Review status: criteria provided, single submitter. Criteria: Invitae Variant Classification Sherloc (09022015). Collection method: clinical testing. Allele origin: germline.

Blueprint Genetics
Classification: Benign. Last evaluated: 2024-11-27. Review status: criteria provided, single submitter. Criteria: ACMG Guidelines, 2015. Collection method: clinical testing. Allele origin: germline.

Genome-Nilou Lab
Classification: Benign for Hyperornithinemia-hyperammonemia-homocitrullinuria syndrome. Last evaluated: 2021-07-10. Review status: criteria provided, single submitter. Criteria: ACMG Guidelines, 2015. Collection method: clinical testing. Allele origin: germline. Affected: no.

Mayo Clinic Laboratories, Mayo Clinic
Classification: Benign. Last evaluated: 2021-02-24. Review status: criteria provided, single submitter. Criteria: ACMG Guidelines, 2015. Collection method: clinical testing. Allele origin: germline. Observed: 11 variant alleles.

Illumina Laboratory Services, Illumina
Classification: Benign for Hyperornithinemia-hyperammonemia-homocitrullinuria syndrome. Last evaluated: 2018-01-13. Review status: criteria provided, single submitter. Criteria: ICSL Variant Classification Criteria 13 December 2019. Collection method: clinical testing. Allele origin: germline.
Comment: This variant was observed in the ICSL laboratory as part of a predisposition screen in an ostensibly healthy population. It had not been previously curated by ICSL or reported in the Human Gene Mutation Database (HGMD: prior to June 1st, 2018), and was therefore a candidate for classification through an automated scoring system. Utilizing variant allele frequency, disease prevalence and penetrance estimates, and inheritance mode, an automated score was calculated to assess if this variant is too frequent to cause the disease. Based on the score and internal cut-off values, a variant classified as benign is not then subjected to further curation. The score for this variant resulted in a classification of benign for this disease.

GeneDx
Classification: Benign. Last evaluated: 2013-07-25. Review status: criteria provided, single submitter. Criteria: GeneDx Variant Classification (06012015). Collection method: clinical testing. Allele origin: germline. Affected: yes.
Comment: This variant is considered likely benign or benign based on one or more of the following criteria: it is a conservative change, it occurs at a poorly conserved position in the protein, it is predicted to be benign by multiple in silico algorithms, and/or has population frequency not consistent with disease.

Breakthrough Genomics
Classification: Benign. Review status: criteria provided, single submitter. Criteria: ACMG Guidelines, 2015. Collection method: not provided. Allele origin: germline. Inheritance: Autosomal recessive inheritance. Affected: yes.

Natera, Inc.
Classification: Benign for Hyperornithinemia-hyperammonemia-homocitrullinuria syndrome. Last evaluated: 2020-09-16. Review status: no assertion criteria provided. Collection method: clinical testing. Allele origin: germline. Not counted in ClinVar's aggregate classification.

NM_014252.4(SLC25A15):c.333C>T (p.Ala111=)

Gene: SLC25A15 (solute carrier family 25 member 15; plus strand). Cytogenetic location: 13q14.11.
Variant type: single nucleotide variant.
Coding change: c.333C>T on transcript NM_014252.4 (MANE Select); coding-DNA position 333, C replaced by T.
Protein change: p.Ala111=; no amino-acid change (alanine 111 retained).
Molecular consequence: synonymous variant.
Genome position (GRCh38, 1-based): chr13:40,805,136, C>T. VCF-style: chr13-40805136-C-T. GRCh37 (hg19) VCF-style: chr13-41379272-C-T.
Other names: p.A111A:GCC>GCT; p.Ala111=.
Identifiers: ClinVar variation 139126 (VCV000139126.20), dbSNP rs9577152, ClinGen allele CA293504.
Genomic context (GRCh38, chr13:40,805,136, plus strand): 5'-ATGAAGAAACTGAGGGGTAACTGTCTGCTTGTGTGCTTTCAGTGATCTGCAGAATGCAGC[C>T]GCCGGTTCCTTCGCCTCTGCCTTTGCTGCACTGGTGCTCTGCCCCACGGAGCTCGTGAAG-3'
Protein context (NP_055067.1, residues 101-121): QAKLSDLQNA[Ala111=]AGSFASAFAA